The following is an entry in ClinVar:

ClinVar aggregate classification (germline): Pathogenic (1 of 4 stars; one submission).

Conditions:
Neurofibromatosis, type 1 (NF1). Also called: NEUROFIBROMATOSIS, TYPE I, SOMATIC; VON RECKLINGHAUSEN DISEASE; Neurofibromatosis, type I; Peripheral type neurofibromatosis. Identifiers: Orphanet 636, MedGen C0027831, MONDO:0018975, OMIM 162200. Disease mechanism: loss of function.

Submission:

Labcorp Genetics (formerly Invitae), Labcorp
Classification: Pathogenic for Neurofibromatosis, type 1. Last evaluated: 2018-07-24. Review status: criteria provided, single submitter. Criteria: Invitae Variant Classification Sherloc (09022015). Collection method: clinical testing. Allele origin: germline.
Comment: This variant is an out-of-frame deletion of the genomic region encompassing exons 9-35 of the NF1 gene. This is expected to create a premature translational stop signal and result in an absent or disrupted protein product. This variant has not been reported in the literature in individuals with NF1-related disease. Loss-of-function variants in NF1 are known to be pathogenic (PMID: 10712197, 23913538). For these reasons, this variant has been classified as Pathogenic.

NC_000017.11:g.(?_31200402)_(31265359_?)del

Gene: NF1 (neurofibromin 1; plus strand). Cytogenetic location: 17q11.2.
Variant type: Deletion.
Identifiers: ClinVar variation 642049 (VCV000642049.1).